The following is an entry in ClinVar:

NM_001130987.2(DYSF):c.3765C>T (p.Asp1255=)

Gene: DYSF (dysferlin; plus strand). Cytogenetic location: 2p13.2.
Variant type: single nucleotide variant.
Coding change: c.3765C>T on transcript NM_001130987.2 (MANE Select); coding-DNA position 3765, C replaced by T.
Protein change: p.Asp1255=; no amino-acid change (aspartic acid 1255 retained).
Molecular consequence: synonymous variant.
Genome position (GRCh38, 1-based): chr2:71,600,710, C>T. VCF-style: chr2-71600710-C-T. GRCh37 (hg19) VCF-style: chr2-71827840-C-T.
Other names: c.3714C>T, p.Asp1238= (NM_001130455.2, NM_001130983.2); c.3669C>T, p.Asp1223= (NM_001130976.2, NM_001130977.2); c.3711C>T, p.Asp1237= (NM_001130978.2, NM_003494.4); c.3804C>T, p.Asp1268= (NM_001130979.2); c.3762C>T, p.Asp1254= (NM_001130980.2, NM_001130981.2); c.3807C>T, p.Asp1269= (NM_001130982.2); c.3672C>T, p.Asp1224= (NM_001130984.2, NM_001130986.2); c.3765C>T, p.Asp1255= (NM_001130985.2).
Identifiers: ClinVar variation 989555 (VCV000989555.11), dbSNP rs781758050, ClinGen allele CA1706702.

ClinVar aggregate classification (germline): Likely benign. Review status: criteria provided, multiple submitters, no conflicts (2 of 4 stars). 3 submissions from 3 submitters: Likely benign (2). 1 of the submissions does not count toward it. Last evaluated 2026-07-01.

Conditions:
Autosomal recessive limb-girdle muscular dystrophy type 2B (LGMDR2). Also called: Limb-girdle muscular dystrophy, type 2B; MUSCULAR DYSTROPHY, LIMB-GIRDLE, AUTOSOMAL RECESSIVE 2; MUSCULAR DYSTROPHY, LIMB-GIRDLE, TYPE 3; Limb-Girdle Muscular Dystrophy Type 2B (LGMD2B). Identifiers: Orphanet 268, MedGen C1850889, MONDO:0009676, OMIM 253601.
Neuromuscular disease caused by qualitative or quantitative defects of dysferlin. Also called: Dysferlinopathy; Qualitative or quantitative defects of dysferlin. Identifiers: Orphanet 207073, MedGen C2931687, MONDO:0016145.

Allele frequency attached by ClinVar (database versions not stated): ExAC 0.00004; gnomAD exomes 0.00005 and 0.00007; gnomAD 0.00006; TOPMed 0.00006.
gnomAD v4.1: 82 of 1,613,970 alleles (0.0051%); highest among the groups gnomAD compares: Middle Eastern, 0.016%; no homozygotes.

Submissions (3):

CeGaT Center for Human Genetics Tuebingen
Classification: Likely benign. Last evaluated: 2026-07-01. Review status: criteria provided, single submitter. Criteria: CeGaT Center For Human Genetics Tuebingen Variant Classification Criteria Version 2. Collection method: clinical testing. Allele origin: germline. Affected: yes. Observed: 1 variant allele.
Comment: DYSF: BP4, BP7

Labcorp Genetics (formerly Invitae), Labcorp
Classification: Likely benign for Neuromuscular disease caused by qualitative or quantitative defects of dysferlin. Last evaluated: 2026-01-25. Review status: criteria provided, single submitter. Criteria: Invitae Variant Classification Sherloc (09022015). Collection method: clinical testing. Allele origin: germline.

Natera, Inc.
Classification: Likely benign for Limb-girdle muscular dystrophy type 2B. Last evaluated: 2020-07-22. Review status: no assertion criteria provided. Collection method: clinical testing. Allele origin: germline. Not counted in ClinVar's aggregate classification.